The following is an entry in ClinVar:

ClinVar aggregate classification (germline): Pathogenic (1 of 4 stars; one submission).

Conditions:
Ehlers-Danlos syndrome, type 4 (EDSVASC). Also called: Ehlers-Danlos syndrome vascular type; Ehlers Danlos syndrome, ecchymotic type; Ehlers Danlos syndrome, arterial type; Ehlers Danlos syndrome, Sack-Barabas type; Ehlers-Danlos Syndrome Type IV. Identifiers: Orphanet 286, MedGen C0268338, MONDO:0017314, OMIM 130050.

Submission:

Labcorp Genetics (formerly Invitae), Labcorp
Classification: Pathogenic for Ehlers-Danlos syndrome, type 4. Last evaluated: 2025-08-13. Review status: criteria provided, single submitter. Criteria: Invitae Variant Classification Sherloc (09022015). Collection method: clinical testing. Allele origin: germline.
Comment: This sequence change creates a premature translational stop signal (p.Thr278Lysfs*6) in the COL3A1 gene. It is expected to result in an absent or disrupted protein product. Loss-of-function variants in COL3A1 are known to be pathogenic (PMID: 24922459). This variant is not present in population databases (gnomAD no frequency). This variant has not been reported in the literature in individuals affected with COL3A1-related conditions. For these reasons, this variant has been classified as Pathogenic.

Literature cited by the submitters: PubMed 24922459.

NM_000090.4(COL3A1):c.833del (p.Thr278fs)

Gene: COL3A1 (collagen type III alpha 1 chain; plus strand). Cytogenetic location: 2q32.2.
Variant type: Deletion.
Coding change: c.833del on transcript NM_000090.4 (MANE Select); coding-DNA position 833, one base deleted (C; older notation c.833delC).
Protein change: p.Thr278fs; shifts the reading frame from threonine 278.
Molecular consequence: frameshift variant.
Genome position (GRCh38, 1-based): chr2:188,991,038, C deleted. VCF-style (leftmost placement, unchanged base first): chr2-188991037-AC-A. GRCh37 (hg19) VCF-style: chr2-189855763-AC-A.
Other names: short protein forms T278fs.
Identifiers: ClinVar variation 4805241 (VCV004805241.1).